The following is an entry in ClinVar:

NM_002541.4(OGDH):c.2559+4A>G

Gene: OGDH (oxoglutarate dehydrogenase; plus strand). Cytogenetic location: 7p13.
Variant type: single nucleotide variant.
Coding change: c.2559+4A>G on transcript NM_002541.4 (MANE Select); 4 bases into the intron after coding-DNA position 2559, A replaced by G.
Molecular consequence: intron variant.
Genome position (GRCh38, 1-based): chr7:44,700,273, A>G. VCF-style: chr7-44700273-A-G. GRCh37 (hg19) VCF-style: chr7-44739872-A-G.
Other names: c.2592+4A>G (NM_001363523.2); c.2547+4A>G (NM_001165036.2).
Identifiers: ClinVar variation 3350884 (VCV003350884.1).

ClinVar aggregate classification (germline): Likely benign (0 of 4 stars; one submission).

Conditions:
OGDH-related disorder. Also called: OGDH-related condition.

Submission:

PreventionGenetics, part of Exact Sciences
Classification: Likely benign for OGDH-related condition. Last evaluated: 2024-04-23. Review status: no assertion criteria provided. Collection method: clinical testing. Allele origin: germline.
Comment: This variant is classified as likely benign based on ACMG/AMP sequence variant interpretation guidelines (Richards et al. 2015 PMID: 25741868, with internal and published modifications).